The following is an entry in ClinVar:

NM_000138.5(FBN1):c.165-5T>G

Gene: FBN1 (fibrillin 1; minus strand). Cytogenetic location: 15q21.1.
Variant type: single nucleotide variant.
Coding change: c.165-5T>G on transcript NM_000138.5 (MANE Select); 5 bases into the intron before coding-DNA position 165, T replaced by G.
Molecular consequence: intron variant.
Genome position (GRCh38, 1-based): chr15:48,613,097, A>C on the plus strand (T>G on the coding strand, the complement: FBN1 is on the minus strand). VCF-style: chr15-48613097-A-C. GRCh37 (hg19) VCF-style: chr15-48905294-A-C.
Other names: c.165-5T>G (NM_001406716.1, NM_001406717.1).
Identifiers: ClinVar variation 4756937 (VCV004756937.1).
Genomic context (GRCh38, chr15:48,613,097, plus strand): 5'-AGGTTTTCCATCCAGGGCAACAGTAAGCATTATAACGTGATCCACAGACATTGGGTCTAA[A>C]ACAAAAACAGAAGAATTCCATACTTTAAAAAAAAGAAGAAGAGGAAGAGATGGCCAAATA-3'

ClinVar aggregate classification (germline): Uncertain significance (1 of 4 stars; one submission).

Conditions:
Familial thoracic aortic aneurysm and aortic dissection (TAAD). Also called: Thoracic aortic aneurysms and dissections. Identifiers: Orphanet 91387, MedGen C4707243, MONDO:0019625.

Submission:

Color Diagnostics, LLC DBA Color Health
Classification: Uncertain significance for Familial thoracic aortic aneurysm and aortic dissection. Last evaluated: 2025-06-26. Review status: criteria provided, single submitter. Criteria: ACMG Guidelines, 2015. Collection method: clinical testing. Allele origin: germline.
Comment: This variant causes a T to G nucleotide substitution at the -5 position of intron 2 of the FBN1 gene. To our knowledge, functional studies have not been reported for this variant. This variant has not been reported in individuals affected with FBN1-related disorders in the literature. This variant has not been identified in the general population by the Genome Aggregation Database (gnomAD). The available evidence is insufficient to determine the role of this variant in disease conclusively. Therefore, this variant is classified as a Variant of Uncertain Significance.